The following is an entry in ClinVar:

NM_001035.3(RYR2):c.13598T>C (p.Leu4533Pro)

Gene: RYR2 (ryanodine receptor 2; plus strand). Cytogenetic location: 1q43.
Variant type: single nucleotide variant.
Coding change: c.13598T>C on transcript NM_001035.3 (MANE Select); coding-DNA position 13598, T replaced by C.
Protein change: p.Leu4533Pro; replaces leucine 4533 with proline.
Molecular consequence: missense variant.
Genome position (GRCh38, 1-based): chr1:237,792,139, T>C. VCF-style: chr1-237792139-T-C. GRCh37 (hg19) VCF-style: chr1-237955439-T-C.
Other names: short protein forms L4533P.
Identifiers: ClinVar variation 874837 (VCV000874837.8), dbSNP rs761272973, ClinGen allele CA39832217.

ClinVar aggregate classification (germline): Uncertain significance. Review status: criteria provided, multiple submitters, no conflicts (2 of 4 stars). 4 submissions from 3 submitters: Uncertain significance (4). Last evaluated 2023-10-02.

Conditions:
Catecholaminergic polymorphic ventricular tachycardia (CVPT). Also called: Catecholamine-induced polymorphic ventricular tachycardia. Identifiers: Orphanet 3286, MedGen C5574922, MONDO:0017990.
Arrhythmogenic right ventricular dysplasia 2. Identifiers: MedGen C1832931.
Catecholaminergic polymorphic ventricular tachycardia 1. Also called: RYR2-Related Catecholaminergic Polymorphic Ventricular Tachycardia; VENTRICULAR TACHYCARDIA, CATECHOLAMINERGIC POLYMORPHIC, 1, WITH OR WITHOUT ATRIAL DYSFUNCTION AND/OR DILATED CARDIOMYOPATHY; VENTRICULAR TACHYCARDIA, STRESS-INDUCED POLYMORPHIC 1. Identifiers: Orphanet 3286, MedGen C1631597, MONDO:0011484, OMIM 604772.

Allele frequency attached by ClinVar (database versions not stated): gnomAD exomes below 0.00001; TOPMed below 0.00001.
gnomAD v4.1: 2 of 1,606,418 alleles (0.00012%); highest among the groups gnomAD compares: Non-Finnish European, 0.00017%; no homozygotes.

Submissions (4):

All of Us Research Program, National Institutes of Health
Classification: Uncertain significance for Catecholaminergic polymorphic ventricular tachycardia. Last evaluated: 2023-10-02. Review status: criteria provided, single submitter. Criteria: ACMG Guidelines, 2015. Collection method: clinical testing. Allele origin: germline. Inheritance: Autosomal dominant inheritance. Observed: 1 variant allele, 1 heterozygote.
Comment: This missense variant replaces leucine with proline at codon 4533 of the RYR2 protein. Computational prediction suggests that this variant may not impact protein structure and function (internally defined REVEL score threshold <= 0.5, PMID: 27666373). To our knowledge, functional studies have not been reported for this variant. This variant has not been reported in individuals affected with RYR2-related disorders in the literature. This variant has been identified in 1/236316 chromosomes in the general population by the Genome Aggregation Database (gnomAD). The available evidence is insufficient to determine the role of this variant in disease conclusively. Therefore, this variant is classified as a Variant of Uncertain Significance.

This study involves interpretation of variants in research participants for the purpose of population health screening. Participant phenotype was not available at the time of variant classification. Additional details can be found in publication PMID: 35346344, PMCID: PMC8962531

Labcorp Genetics (formerly Invitae), Labcorp
Classification: Uncertain significance for Catecholaminergic polymorphic ventricular tachycardia 1. Last evaluated: 2022-03-03. Review status: criteria provided, single submitter. Criteria: Invitae Variant Classification Sherloc (09022015). Collection method: clinical testing. Allele origin: germline.
Comment: This variant has not been reported in the literature in individuals affected with RYR2-related conditions. ClinVar contains an entry for this variant (Variation ID: 874837). Advanced modeling of protein sequence and biophysical properties (such as structural, functional, and spatial information, amino acid conservation, physicochemical variation, residue mobility, and thermodynamic stability) performed at Invitae indicates that this missense variant is not expected to disrupt RYR2 protein function. In summary, the available evidence is currently insufficient to determine the role of this variant in disease. Therefore, it has been classified as a Variant of Uncertain Significance. This sequence change replaces leucine, which is neutral and non-polar, with proline, which is neutral and non-polar, at codon 4533 of the RYR2 protein (p.Leu4533Pro). The frequency data for this variant in the population databases is considered unreliable, as metrics indicate poor data quality at this position in the gnomAD database.

Illumina Laboratory Services, Illumina
Classification: Uncertain significance for Catecholaminergic polymorphic ventricular tachycardia 1. Last evaluated: 2018-01-12. Review status: criteria provided, single submitter. Criteria: ICSL Variant Classification Criteria 13 December 2019. Collection method: clinical testing. Allele origin: germline.

Illumina Laboratory Services, Illumina
Classification: Uncertain significance for Catecholaminergic polymorphic ventricular tachycardia 1. Last evaluated: 2018-01-12. Review status: criteria provided, single submitter. Criteria: ICSL Variant Classification Criteria 13 December 2019. Collection method: clinical testing. Allele origin: germline.